The following is an entry in ClinVar:

NM_007078.3(LDB3):c.567_571dup (p.Gln191fs)

Gene: LDB3 (LIM domain binding 3; plus strand). Cytogenetic location: 10q23.2.
Variant type: Duplication.
Coding change: c.567_571dup on transcript NM_007078.3 (MANE Select); coding-DNA positions 567 to 571, 5 bases duplicated (GAGCC; older notation c.567_571dupGAGCC).
Protein change: p.Gln191fs; shifts the reading frame from glutamine 191.
Molecular consequence: frameshift variant. On other transcripts: intron variant (5).
Genome position (GRCh38, 1-based): chr10:86,681,681-86,681,685, GAGCC duplicated; duplicating any 5 consecutive bases within chr10:86,681,680-86,681,685 gives the same sequence; the c. name uses the placement nearest the transcript's 3' end. VCF-style (leftmost placement, unchanged base first): chr10-86681679-T-TCGAGC. GRCh37 (hg19) VCF-style: chr10-88441436-T-TCGAGC.
Other names: c.567_571dup, p.Gln191fs (NM_001080115.2, NM_001171610.2, NM_001171611.2 and 3 more transcripts); c.321+1524_321+1528dup (NM_001368068.1, NM_001368066.1, NM_001080114.2 and 2 more transcripts); short protein forms Q191fs.
Identifiers: ClinVar variation 4704645 (VCV004704645.1).
Genomic context (GRCh38, chr10:86,681,679, plus strand): 5'-AGGGCCAAGACCAGCCCAGAGGGGGCCCGGGACCTACTCGGCCCAAAAGCCCTGCCGGGC[T>TCGAGC]CGAGCCAGCCGAGGCAATATAACAACCCCATTGGCCTGTACTCGGCAGAGACCCTGAGGG-3'

ClinVar aggregate classification (germline): Pathogenic (1 of 4 stars; one submission).

Conditions:
Myofibrillar myopathy 4. Also called: Zaspopathy (type). Identifiers: Orphanet 98912, MedGen C4721886, MONDO:0012277, OMIM 609452.

Submission:

Labcorp Genetics (formerly Invitae), Labcorp
Classification: Pathogenic for Myofibrillar myopathy 4. Last evaluated: 2025-03-28. Review status: criteria provided, single submitter. Criteria: Invitae Variant Classification Sherloc (09022015). Collection method: clinical testing. Allele origin: germline.
Comment: The LDB3 gene has multiple clinically relevant transcripts. This variant occurs in alternate transcript NM_007078.3, and corresponds to NM_001080116.1:c.321+1524_321+1528dup (Intronic) in the primary transcript. This sequence change creates a premature translational stop signal (p.Gln191Argfs*19) in the LDB3 gene. It is expected to result in an absent or disrupted protein product. Loss-of-function variants in LDB3 are known to be pathogenic (PMID: 36253531). This variant is present in population databases (no rsID available, gnomAD 0.003%). This variant has not been reported in the literature in individuals affected with LDB3-related conditions. For these reasons, this variant has been classified as Pathogenic.

Literature cited by the submitters: PubMed 36253531.